The following is an entry in ClinVar:

NM_001134831.2(AHI1):c.214C>A (p.Pro72Thr)

Gene: AHI1 (Abelson helper integration site 1; minus strand). Cytogenetic location: 6q23.3.
Variant type: single nucleotide variant.
Coding change: c.214C>A on transcript NM_001134831.2 (MANE Select); coding-DNA position 214, C replaced by A.
Protein change: p.Pro72Thr; replaces proline 72 with threonine.
Molecular consequence: missense variant.
Genome position (GRCh38, 1-based): chr6:135,466,349, G>T on the plus strand (C>A on the coding strand, the complement: AHI1 is on the minus strand). VCF-style: chr6-135466349-G-T. GRCh37 (hg19) VCF-style: chr6-135787487-G-T.
Other names: c.214C>A, p.Pro72Thr (NM_001134830.2, NM_001134832.2, NM_001350503.2 and 2 more transcripts); c.214C>A (NM_017651.4); short protein forms P72T.
Identifiers: ClinVar variation 1516445 (VCV001516445.6), dbSNP rs1173813597, ClinGen allele CA365752326.

ClinVar aggregate classification (germline): Uncertain significance. Review status: criteria provided, multiple submitters, no conflicts (2 of 4 stars). 2 submissions from 2 submitters: Uncertain significance (2). Last evaluated 2024-05-31.

Conditions:
Joubert syndrome. Also called: CEREBELLOPARENCHYMAL DISORDER IV; JOUBERT-BOLTSHAUSER SYNDROME; Familial aplasia of the vermis. Identifiers: Orphanet 475, MedGen C5979921, MONDO:0018772.
Joubert syndrome 3 (JBTS3). Also called: AHI1-related Ciliopathy. Identifiers: Orphanet 220493, MedGen C1837713, MONDO:0012078, OMIM 608629.

Allele frequency attached by ClinVar (database versions not stated): gnomAD exomes below 0.00001 and 0.00001; gnomAD 0.00002; TOPMed 0.00002.
gnomAD v4.1: 5 of 1,613,610 alleles (0.00031%); highest among the groups gnomAD compares: African/African-American, 0.0067%; no homozygotes.

Submissions (2):

Fulgent Genetics
Classification: Uncertain significance for Joubert syndrome 3. Last evaluated: 2024-05-31. Review status: criteria provided, single submitter. Criteria: ACMG Guidelines, 2015. Collection method: clinical testing. Allele origin: germline.

Labcorp Genetics (formerly Invitae), Labcorp
Classification: Uncertain significance for Joubert syndrome. Last evaluated: 2022-08-23. Review status: criteria provided, single submitter. Criteria: Invitae Variant Classification Sherloc (09022015). Collection method: clinical testing. Allele origin: germline.
Comment: This sequence change replaces proline, which is neutral and non-polar, with threonine, which is neutral and polar, at codon 72 of the AHI1 protein (p.Pro72Thr). This variant is present in population databases (no rsID available, gnomAD 0.01%). This variant has not been reported in the literature in individuals affected with AHI1-related conditions. ClinVar contains an entry for this variant (Variation ID: 1516445). Advanced modeling of protein sequence and biophysical properties (such as structural, functional, and spatial information, amino acid conservation, physicochemical variation, residue mobility, and thermodynamic stability) performed at Invitae indicates that this missense variant is not expected to disrupt AHI1 protein function. In summary, the available evidence is currently insufficient to determine the role of this variant in disease. Therefore, it has been classified as a Variant of Uncertain Significance.